The following is an entry in ClinVar:

ClinVar aggregate classification (germline): Benign/Likely benign. Review status: criteria provided, multiple submitters, no conflicts (2 of 4 stars). 3 submissions from 3 submitters: Benign (2); Likely benign (1). Last evaluated 2025-12-19.

Conditions:
Achromatopsia 4 (ACHM4). Identifiers: Orphanet 49382, MedGen C1841721, MONDO:0013465, OMIM 613856.

Allele frequency attached by ClinVar (database versions not stated): gnomAD exomes 0.00025 and 0.00103; gnomAD 0.00028 and 0.00039; TOPMed 0.00039; ExAC 0.00077; 1000 Genomes Project 30x 0.00234; 1000 Genomes Project 0.00260.
gnomAD v4.1: 435 of 1,613,520 alleles (0.027%); highest among the groups gnomAD compares: East Asian, 0.8%; 7 homozygotes.

Submissions (3):

Labcorp Genetics (formerly Invitae), Labcorp
Classification: Benign. Last evaluated: 2025-12-19. Review status: criteria provided, single submitter. Criteria: Invitae Variant Classification Sherloc (09022015). Collection method: clinical testing. Allele origin: germline.

Genome-Nilou Lab
Classification: Benign for Achromatopsia 4. Last evaluated: 2023-04-11. Review status: criteria provided, single submitter. Criteria: ACMG Guidelines, 2015. Collection method: clinical testing. Allele origin: germline. Affected: no.

Illumina Laboratory Services, Illumina
Classification: Likely benign for Achromatopsia 4. Last evaluated: 2018-01-13. Review status: criteria provided, single submitter. Criteria: ICSL Variant Classification Criteria 13 December 2019. Collection method: clinical testing. Allele origin: germline.
Comment: This variant was observed in the ICSL laboratory as part of a predisposition screen in an ostensibly healthy population. It had not been previously curated by ICSL or reported in the Human Gene Mutation Database (HGMD: prior to June 1st, 2018), and was therefore a candidate for classification through an automated scoring system. Utilizing variant allele frequency, disease prevalence and penetrance estimates, and inheritance mode, an automated score was calculated to assess if this variant is too frequent to cause the disease. Based on the score and internal cut-off values, a variant classified as likely benign is not then subjected to further curation. The score for this variant resulted in a classification of likely benign for this disease.

NM_001377295.2(GNAT2):c.369C>T (p.Leu123=)

Gene: GNAT2 (G protein subunit alpha transducin 2; minus strand). Cytogenetic location: 1p13.3.
Variant type: single nucleotide variant.
Coding change: c.369C>T on transcript NM_001377295.2 (MANE Select); coding-DNA position 369, C replaced by T.
Protein change: p.Leu123=; no amino-acid change (leucine 123 retained).
Molecular consequence: synonymous variant.
Genome position (GRCh38, 1-based): chr1:109,608,723, G>A on the plus strand (C>T on the coding strand, the complement: GNAT2 is on the minus strand). VCF-style: chr1-109608723-G-A. GRCh37 (hg19) VCF-style: chr1-110151345-G-A.
Other names: c.369C>T, p.Leu123= (NM_001379232.1, NM_005272.5).
Identifiers: ClinVar variation 291722 (VCV000291722.14), dbSNP rs12046787, ClinGen allele CA992441.